The following is an entry in ClinVar:

NM_001298.3(CNGA3):c.985G>T (p.Gly329Cys)

Gene: CNGA3 (cyclic nucleotide gated channel subunit alpha 3; plus strand). Cytogenetic location: 2q11.2.
Variant type: single nucleotide variant.
Coding change: c.985G>T on transcript NM_001298.3 (MANE Select); coding-DNA position 985, G replaced by T.
Protein change: p.Gly329Cys; replaces glycine 329 with cysteine.
Molecular consequence: missense variant.
Genome position (GRCh38, 1-based): chr2:98,396,155, G>T. VCF-style: chr2-98396155-G-T. GRCh37 (hg19) VCF-style: chr2-99012618-G-T.
Other names: c.931G>T, p.Gly311Cys (NM_001079878.2); short protein forms G329C, G311C.
Identifiers: ClinVar variation 635157 (VCV000635157.10), dbSNP rs1558820134, ClinGen allele CA347832576.

ClinVar aggregate classification (germline): Pathogenic/Likely pathogenic. Review status: criteria provided, multiple submitters, no conflicts (2 of 4 stars). 6 submissions from 6 submitters: Pathogenic (3); Likely pathogenic (1). 2 of the submissions do not count toward it. Last evaluated 2025-03-19.

Conditions:
Achromatopsia 2 (ACHM2). Also called: COLORBLINDNESS, TOTAL; ROD MONOCHROMACY 2; ROD MONOCHROMATISM 2. Identifiers: Orphanet 49382, MedGen C1857618, MONDO:0009003, OMIM 216900.
Achromatopsia. Also called: Rod monochromatism. Identifiers: Orphanet 49382, MedGen C0152200, MONDO:0018852, HP:0011516.

Allele frequency attached by ClinVar (database versions not stated): gnomAD exomes below 0.00001.
gnomAD v4.1: 1 of 1,614,114 alleles (0.000062%); highest among the groups gnomAD compares: Non-Finnish European, 0.000085%; no homozygotes.

Submissions (6):

Women's Health and Genetics/Laboratory Corporation of America, LabCorp
Classification: Pathogenic for Achromatopsia 2. Last evaluated: 2025-03-19. Review status: criteria provided, single submitter. Criteria: LabCorp Variant Classification Summary - May 2015. Collection method: clinical testing. Allele origin: germline.
Comment: Variant summary: CNGA3 c.985G>T (p.Gly329Cys) results in a non-conservative amino acid change in the encoded protein sequence. Five of five in-silico tools predict a damaging effect of the variant on protein function. The variant was absent in 251486 control chromosomes (gnomAD). c.985G>T has been reported in the literature in multiple individuals affected with Achromatopsia 2 (e.g. Zelinger_2015). These data indicate that the variant is very likely to be associated with disease. The following publication has been ascertained in the context of this evaluation (PMID: 25616768). ClinVar contains an entry for this variant (Variation ID: 635157). Based on the evidence outlined above, the variant was classified as pathogenic.

3billion
Classification: Likely pathogenic for Achromatopsia 2. Last evaluated: 2024-03-21. Review status: criteria provided, single submitter. Criteria: ACMG Guidelines, 2015. Collection method: clinical testing. Allele origin: germline. Affected: yes.
Comment: The variant is not observed in the gnomAD v4.0.0 dataset. Predicted Consequence/Location: Missense variant In silico tool predictions suggest damaging effect of the variant on gene or gene product [REVEL: 0.97 (>=0.6, sensitivity 0.68 and specificity 0.92); 3Cnet: 0.96 (>=0.6, sensitivity 0.72 and precision 0.9)]. Same nucleotide change resulting in same amino acid change has been previously reported as pathogenic/likely pathogenic with strong evidence (ClinVar ID: VCV000635157 /PMID: 21778272 /3billion dataset). Therefore, this variant is classified as Likely pathogenic according to the recommendation of ACMG/AMP guideline.

Labcorp Genetics (formerly Invitae), Labcorp
Classification: Pathogenic. Last evaluated: 2022-09-07. Review status: criteria provided, single submitter. Criteria: Invitae Variant Classification Sherloc (09022015). Collection method: clinical testing. Allele origin: germline.
Comment: For these reasons, this variant has been classified as Pathogenic. Advanced modeling of protein sequence and biophysical properties (such as structural, functional, and spatial information, amino acid conservation, physicochemical variation, residue mobility, and thermodynamic stability) performed at Invitae indicates that this missense variant is expected to disrupt CNGA3 protein function. ClinVar contains an entry for this variant (Variation ID: 635157). This missense change has been observed in individuals with CNGA3-related conditions (PMID: 21778272, 30682209, 30711023, 31456290; Invitae). This variant is not present in population databases (gnomAD no frequency). This sequence change replaces glycine, which is neutral and non-polar, with cysteine, which is neutral and slightly polar, at codon 329 of the CNGA3 protein (p.Gly329Cys).

Institute of Medical Genetics and Applied Genomics, University Hospital Tübingen
Classification: Pathogenic. Last evaluated: 2020-10-23. Review status: criteria provided, single submitter. Criteria: ACMG Guidelines, 2015. Collection method: clinical testing. Allele origin: germline. Inheritance: Autosomal recessive inheritance. Affected: yes.

Sharon lab, Hadassah-Hebrew University Medical Center
Classification: Pathogenic for achromatopsia. Last evaluated: 2019-06-23. Review status: no assertion criteria provided. Collection method: research. Allele origin: inherited. Affected: yes. Not counted in ClinVar's aggregate classification.

Molecular Genetics Laboratory, Institute for Ophthalmic Research
Classification: Pathogenic for Achromatopsia. Last evaluated: 2017-12-13. Review status: no assertion criteria provided. Collection method: research. Allele origin: inherited. Affected: yes. Not counted in ClinVar's aggregate classification.

Literature cited by the submitters: PubMed 25616768 (cited by Women's Health and Genetics/Laboratory Corporation of America, LabCorp); PubMed 21778272 (cited by 3billion and Labcorp Genetics (formerly Invitae), Labcorp); PubMed 30682209 (cited by Labcorp Genetics (formerly Invitae), Labcorp); PubMed 30711023 (cited by Labcorp Genetics (formerly Invitae), Labcorp); PubMed 31456290 (cited by Labcorp Genetics (formerly Invitae), Labcorp).